The following is an entry in ClinVar:

ClinVar aggregate classification (germline): Conflicting classifications of pathogenicity. Review status: criteria provided, conflicting classifications (1 of 4 stars). 8 submissions from 8 submitters: Uncertain significance (7); Likely benign (1). Last evaluated 2025-12-01.

Conditions:
Familial isolated arrhythmogenic right ventricular dysplasia. Identifiers: Orphanet 217656, MedGen C4274968, MONDO:0016342.
Cardiovascular phenotype. Identifiers: MedGen CN230736.
Cardiomyopathy (CMYO). Also called: Cardiomyopathies. Identifiers: Orphanet 167848, MedGen C0878544, MONDO:0004994, HP:0001638. Inheritance: Various modes of inheritance.
Arrhythmogenic right ventricular dysplasia 11. Also called: Arrhythmogenic Right Ventricular Dysplasia/Cardiomyopathy11; ARRHYTHMOGENIC RIGHT VENTRICULAR DYSPLASIA, FAMILIAL, 11; Arrhythmogenic right ventricular dysplasia 11 with mild palmoplantar keratoderma and woolly hair. Identifiers: MedGen C1864850, MONDO:0012506, OMIM 610476.
Primary dilated cardiomyopathy (DCM). Also called: Dilated Cardiomyopathy. Identifiers: Orphanet 217604, MedGen C0007193, MeSH D002311, MONDO:0005021, HP:0001644. Inheritance: Various modes of inheritance.

Allele frequency attached by ClinVar (database versions not stated): ExAC 0.00001; gnomAD exomes 0.00002 and 0.00006; gnomAD 0.00005 and 0.00006; TOPMed 0.00005; ESP Exome Variant Server 0.00008.
gnomAD v4.1: 90 of 1,613,224 alleles (0.0056%); highest among the groups gnomAD compares: Non-Finnish European, 0.0074%; no homozygotes.

Submissions (8):

Labcorp Genetics (formerly Invitae), Labcorp
Classification: Uncertain significance for Arrhythmogenic right ventricular dysplasia 11. Last evaluated: 2025-12-01. Review status: criteria provided, single submitter. Criteria: Invitae Variant Classification Sherloc (09022015). Collection method: clinical testing. Allele origin: germline.
Comment: This sequence change replaces valine, which is neutral and non-polar, with glycine, which is neutral and non-polar, at codon 364 of the DSC2 protein (p.Val364Gly). This variant is present in population databases (rs368089478, gnomAD 0.005%). This variant has not been reported in the literature in individuals affected with DSC2-related conditions. ClinVar contains an entry for this variant (Variation ID: 46162). Invitae Evidence Modeling of protein sequence and biophysical properties (such as structural, functional, and spatial information, amino acid conservation, physicochemical variation, residue mobility, and thermodynamic stability) indicates that this missense variant is expected to disrupt DSC2 protein function with a positive predictive value of 80%. In summary, the available evidence is currently insufficient to determine the role of this variant in disease. Therefore, it has been classified as a Variant of Uncertain Significance.

All of Us Research Program, National Institutes of Health
Classification: Uncertain significance for Familial isolated arrhythmogenic right ventricular dysplasia. Last evaluated: 2024-09-23. Review status: criteria provided, single submitter. Criteria: ACMG Guidelines, 2015. Collection method: clinical testing. Allele origin: germline. Inheritance: Autosomal dominant inheritance. Observed: 11 variant alleles, 11 heterozygotes.
Comment: This missense variant replaces valine with glycine at codon 364 of the DSC2 protein. Computational prediction suggests that this variant may not impact protein structure and function (internally defined REVEL score threshold <= 0.5, PMID: 27666373). To our knowledge, functional studies have not been reported for this variant. This variant has not been reported in individuals affected with cardiovascular disorders in the literature. This variant has been identified in 8/281880 chromosomes in the general population by the Genome Aggregation Database (gnomAD). The available evidence is insufficient to determine the role of this variant in disease conclusively. Therefore, this variant is classified as a Variant of Uncertain Significance.

This study involves interpretation of variants in research participants for the purpose of population health screening. Participant phenotype was not available at the time of variant classification. Additional details can be found in publication PMID: 35346344, PMCID: PMC8962531

Color Diagnostics, LLC DBA Color Health
Classification: Uncertain significance for Cardiomyopathy. Last evaluated: 2024-07-03. Review status: criteria provided, single submitter. Criteria: ACMG Guidelines, 2015. Collection method: clinical testing. Allele origin: germline.
Comment: This missense variant replaces valine with glycine at codon 364 of the DSC2 protein. Computational prediction suggests that this variant may not impact protein structure and function (internally defined REVEL score threshold <= 0.5, PMID: 27666373). To our knowledge, functional studies have not been reported for this variant. This variant has not been reported in individuals affected with DSC2-related disorders in the literature. This variant has been identified in 8/281880 chromosomes in the general population by the Genome Aggregation Database (gnomAD). The available evidence is insufficient to determine the role of this variant in disease conclusively. Therefore, this variant is classified as a Variant of Uncertain Significance.

Blueprint Genetics
Classification: Uncertain significance. Last evaluated: 2023-10-13. Review status: criteria provided, single submitter. Criteria: ACMG Guidelines, 2015. Collection method: clinical testing. Allele origin: germline.

Ambry Genetics
Classification: Likely benign for Cardiovascular phenotype. Last evaluated: 2023-08-23. Review status: criteria provided, single submitter. Criteria: Ambry Variant Classification Scheme 2023. Collection method: clinical testing. Allele origin: germline.

GeneDx
Classification: Uncertain significance. Last evaluated: 2019-11-07. Review status: criteria provided, single submitter. Criteria: GeneDx Variant Classification Process June 2021. Collection method: clinical testing. Allele origin: germline. Affected: yes.
Comment: Has not been previously published as pathogenic or benign to our knowledge; Identified independently and in conjunction with additional variants in individuals referred for cardiac genetic testing at GeneDx; segregation data is limited or absent at this time; Reported in ClinVar as a variant of uncertain significance (ClinVar Variant ID# 46162; Landrum et al., 2016); In silico analysis, which includes protein predictors and evolutionary conservation, supports a deleterious effect

Center for Advanced Laboratory Medicine, UC San Diego Health, University of California San Diego
Classification: Uncertain significance for Dilated cardiomyopathy. Last evaluated: 2017-08-21. Review status: criteria provided, single submitter. Criteria: ACMG Guidelines, 2015. Collection method: clinical testing. Allele origin: germline. Affected: yes. Observed: 1 variant allele.

Laboratory for Molecular Medicine, Mass General Brigham Personalized Medicine
Classification: Uncertain significance. Last evaluated: 2010-01-04. Review status: criteria provided, single submitter. Criteria: LMM Criteria. Collection method: clinical testing. Allele origin: germline. Observed: 1 variant allele.

NM_024422.6(DSC2):c.1091T>G (p.Val364Gly)

Gene: DSC2 (desmocollin 2; minus strand). Cytogenetic location: 18q12.1.
Variant type: single nucleotide variant.
Coding change: c.1091T>G on transcript NM_024422.6 (MANE Select); coding-DNA position 1091, T replaced by G.
Protein change: p.Val364Gly; replaces valine 364 with glycine.
Molecular consequence: missense variant.
Genome position (GRCh38, 1-based): chr18:31,082,410, A>C on the plus strand (T>G on the coding strand, the complement: DSC2 is on the minus strand). VCF-style: chr18-31082410-A-C. GRCh37 (hg19) VCF-style: chr18-28662376-A-C.
Other names: c.1091T>G, p.Val364Gly (NM_004949.5); short protein forms V364G.
Identifiers: ClinVar variation 46162 (VCV000046162.25), dbSNP rs368089478, ClinGen allele CA022407.
Genomic context (GRCh38, chr18:31,082,410, plus strand): 5'-ACTAAGTCCTTATCCTCAACAGTAACTCGTAAGATTTCCACATCAACTGTATTTTCTTCC[A>C]CTGATGTCACATACTAAAATAATAAAAGCAAACAAAAAATTTCGTTAGTAACTCTCACAA-3'
Protein context (NP_077740.1, residues 354-374): TFTRTSYVTS[Val364Gly]EENTVDVEIL